The following is an entry in ClinVar:

NM_001114753.3(ENG):c.-91C>T

Gene: ENG (endoglin; minus strand). Cytogenetic location: 9q34.11.
Variant type: single nucleotide variant.
Coding change: c.-91C>T on transcript NM_001114753.3 (MANE Select); 91 bases upstream of the start codon, C replaced by T.
Molecular consequence: 5 prime UTR variant.
Genome position (GRCh38, 1-based): chr9:127,854,446, G>A on the plus strand (C>T on the coding strand, the complement: ENG is on the minus strand). VCF-style: chr9-127854446-G-A. GRCh37 (hg19) VCF-style: chr9-130616725-G-A.
Other names: c.-91C>T (NM_000118.4, NM_001406715.1).
Identifiers: ClinVar variation 1419675 (VCV001419675.7), dbSNP rs1478547011, ClinGen allele CA860212187.

ClinVar aggregate classification (germline): Uncertain significance (1 of 4 stars; one submission).

Conditions:
Hereditary hemorrhagic telangiectasia (HHT). Also called: ORW DISEASE; Osler Weber Rendu syndrome; OSLER-RENDU-WEBER DISEASE; Osler hemorrhagic telangiectasia syndrome. Identifiers: Orphanet 774, MedGen C0039445, MONDO:0019180. Disease mechanism: loss of function.

Allele frequency attached by ClinVar (database versions not stated): gnomAD 0.00001 and 0.00002; TOPMed 0.00003; 1000 Genomes Project 30x 0.00016.

Submission:

Labcorp Genetics (formerly Invitae), Labcorp
Classification: Uncertain significance for Hereditary hemorrhagic telangiectasia. Last evaluated: 2024-09-05. Review status: criteria provided, single submitter. Criteria: Invitae Variant Classification Sherloc (09022015). Collection method: clinical testing. Allele origin: germline.
Comment: This variant occurs in a non-coding region of the ENG gene. It does not change the encoded amino acid sequence of the ENG protein. This variant is not present in population databases (gnomAD no frequency). This variant has not been reported in the literature in individuals affected with ENG-related conditions. ClinVar contains an entry for this variant (Variation ID: 1419675). Experimental studies and prediction algorithms are not available or were not evaluated, and the functional significance of this variant is currently unknown. In summary, the available evidence is currently insufficient to determine the role of this variant in disease. Therefore, it has been classified as a Variant of Uncertain Significance.